The following is an entry in ClinVar:

NM_001289125.3(IFNAR2):c.596A>G (p.Lys199Arg)

Genes: IFNAR2 (interferon alpha and beta receptor subunit 2; plus strand), IFNAR2-IL10RB (IFNAR2-IL10RB readthrough; plus strand). Cytogenetic location: 21q22.11.
Variant type: single nucleotide variant.
Coding change: c.596A>G on transcript NM_001289125.3 (MANE Select); coding-DNA position 596, A replaced by G.
Protein change: p.Lys199Arg; replaces lysine 199 with arginine.
Molecular consequence: missense variant.
Genome position (GRCh38, 1-based): chr21:33,252,717, A>G. VCF-style: chr21-33252717-A-G. GRCh37 (hg19) VCF-style: chr21-34625022-A-G.
Other names: c.596A>G, p.Lys199Arg (NM_000874.5, NM_001289126.2, NM_001289128.2 and 4 more transcripts); c.596A>G (NM_207585.1); short protein forms K199R.
Identifiers: ClinVar variation 1413653 (VCV001413653.5), dbSNP rs150933837, ClinGen allele CA10005720.

ClinVar aggregate classification (germline): Uncertain significance. Review status: criteria provided, multiple submitters, no conflicts (2 of 4 stars). 3 submissions from 3 submitters: Uncertain significance (3). Last evaluated 2025-09-01.

Allele frequency attached by ClinVar (database versions not stated): gnomAD 0.00002; TOPMed 0.00002; ExAC 0.00003; gnomAD exomes 0.00005; ESP Exome Variant Server 0.00008.
gnomAD v4.1: 131 of 1,613,692 alleles (0.0081%); highest among the groups gnomAD compares: Non-Finnish European, 0.011%; no homozygotes.

Submissions (3):

Ambry Genetics
Classification: Uncertain significance. Last evaluated: 2025-09-01. Review status: criteria provided, single submitter. Criteria: Ambry Variant Classification Scheme 2023. Collection method: clinical testing. Allele origin: germline.

Blueprint Genetics
Classification: Uncertain significance. Last evaluated: 2023-12-21. Review status: criteria provided, single submitter. Criteria: ACMG Guidelines, 2015. Collection method: clinical testing. Allele origin: germline.

Labcorp Genetics (formerly Invitae), Labcorp
Classification: Uncertain significance. Last evaluated: 2022-02-01. Review status: criteria provided, single submitter. Criteria: Invitae Variant Classification Sherloc (09022015). Collection method: clinical testing. Allele origin: germline.
Comment: This sequence change replaces lysine, which is basic and polar, with arginine, which is basic and polar, at codon 199 of the IFNAR2 protein (p.Lys199Arg). This variant is present in population databases (rs150933837, gnomAD 0.01%). This variant has not been reported in the literature in individuals affected with IFNAR2-related conditions. Algorithms developed to predict the effect of missense changes on protein structure and function (SIFT, PolyPhen-2, Align-GVGD) all suggest that this variant is likely to be tolerated. Algorithms developed to predict the effect of sequence changes on RNA splicing suggest that this variant may create or strengthen a splice site. In summary, the available evidence is currently insufficient to determine the role of this variant in disease. Therefore, it has been classified as a Variant of Uncertain Significance.